The following is an entry in ClinVar:

ClinVar aggregate classification (germline): Uncertain significance. Review status: criteria provided, multiple submitters, no conflicts (2 of 4 stars). 2 submissions from 2 submitters: Uncertain significance (2). Last evaluated 2026-06-23.

gnomAD v4.1: 26 of 1,614,012 alleles (0.0016%); highest among the groups gnomAD compares: Non-Finnish European, 0.0022%; no homozygotes.

Submissions (2):

GeneDx
Classification: Uncertain significance. Last evaluated: 2026-06-23. Review status: criteria provided, single submitter. Criteria: GeneDx Variant Classification Process June 2021. Collection method: clinical testing. Allele origin: germline.
Comment: Not observed at significant frequency in large population cohorts (gnomAD); In silico analysis supports that this missense variant has a deleterious effect on protein structure/function; Has not been previously published as pathogenic or benign to our knowledge

Ambry Genetics
Classification: Uncertain significance. Last evaluated: 2025-11-26. Review status: criteria provided, single submitter. Criteria: Ambry Variant Classification Scheme 2023. Collection method: clinical testing. Allele origin: germline.

NM_005548.3(KARS1):c.853A>G (p.Thr285Ala)

Gene: KARS1 (lysyl-tRNA synthetase 1; minus strand). Cytogenetic location: 16q23.1.
Variant type: single nucleotide variant.
Coding change: c.853A>G on transcript NM_005548.3 (MANE Select); coding-DNA position 853, A replaced by G.
Protein change: p.Thr285Ala; replaces threonine 285 with alanine.
Molecular consequence: missense variant.
Genome position (GRCh38, 1-based): chr16:75,634,235, T>C on the plus strand (A>G on the coding strand, the complement: KARS1 is on the minus strand). VCF-style: chr16-75634235-T-C. GRCh37 (hg19) VCF-style: chr16-75668133-T-C.
Other names: c.937A>G, p.Thr313Ala (NM_001130089.2); c.385A>G, p.Thr129Ala (NM_001378148.1); short protein forms T129A, T285A, T313A.
Identifiers: ClinVar variation 3898850 (VCV003898850.3).
Genomic context (GRCh38, chr16:75,634,235, plus strand): 5'-TATGATAGAGTTCTGGAGCAATTCTCATATATAAGTTCATGTCCAGCTCGTTGTGATAAG[T>C]GATGAAAGGCTTGGCCACGGCTCCCCCTGGGATGATGTTCATCATGGGAGTTTCAATCTA-3'
Protein context (NP_005539.1, residues 275-295): PGGAVAKPFI[Thr285Ala]YHNELDMNLY